The following is an entry in ClinVar:

ClinVar aggregate classification (germline): Likely benign (0 of 4 stars; one submission).

Conditions:
RANBP17-related disorder. Also called: RANBP17-related condition.

Allele frequency attached by ClinVar (database versions not stated): 1000 Genomes Project 0.00140; 1000 Genomes Project 30x 0.00156; ESP Exome Variant Server 0.00246.
gnomAD v4.1: 530 of 1,613,958 alleles (0.033%); highest among the groups gnomAD compares: African/African-American, 0.65%; 3 homozygotes.

Submission:

PreventionGenetics, part of Exact Sciences
Classification: Likely benign for RANBP17-related condition. Last evaluated: 2022-04-21. Review status: no assertion criteria provided. Collection method: clinical testing. Allele origin: germline.
Comment: This variant is classified as likely benign based on ACMG/AMP sequence variant interpretation guidelines (Richards et al. 2015 PMID: 25741868, with internal and published modifications).

NM_022897.5(RANBP17):c.2555A>C (p.Lys852Thr)

Gene: RANBP17 (RAN binding protein 17; plus strand). Cytogenetic location: 5q35.1.
Variant type: single nucleotide variant.
Coding change: c.2555A>C on transcript NM_022897.5 (MANE Select); coding-DNA position 2555, A replaced by C.
Protein change: p.Lys852Thr; replaces lysine 852 with threonine.
Molecular consequence: missense variant.
Genome position (GRCh38, 1-based): chr5:171,241,060, A>C. VCF-style: chr5-171241060-A-C. GRCh37 (hg19) VCF-style: chr5-170668064-A-C.
Other names: short protein forms K852T.
Identifiers: ClinVar variation 3049916 (VCV003049916.2), dbSNP rs144213159, ClinGen allele CA3557931.